The following is an entry in ClinVar:

ClinVar aggregate classification (germline): Uncertain significance (1 of 4 stars; one submission).

Submission:

GeneDx
Classification: Uncertain significance. Last evaluated: 2024-02-09. Review status: criteria provided, single submitter. Criteria: GeneDx Variant Classification Process June 2021. Collection method: clinical testing. Allele origin: germline. Affected: yes.
Comment: Not observed at significant frequency in large population cohorts (gnomAD); In silico analysis supports that this missense variant has a deleterious effect on protein structure/function; Has not been previously published as pathogenic or benign to our knowledge

NM_022893.4(BCL11A):c.1640T>C (p.Met547Thr)

Gene: BCL11A (BCL11 transcription factor A; minus strand). Cytogenetic location: 2p16.1.
Variant type: single nucleotide variant.
Coding change: c.1640T>C on transcript NM_022893.4 (MANE Select); coding-DNA position 1640, T replaced by C.
Protein change: p.Met547Thr; replaces methionine 547 with threonine.
Molecular consequence: missense variant. On other transcripts: intron variant (6).
Genome position (GRCh38, 1-based): chr2:60,461,272, A>G on the plus strand (T>C on the coding strand, the complement: BCL11A is on the minus strand). VCF-style: chr2-60461272-A-G. GRCh37 (hg19) VCF-style: chr2-60688407-A-G.
Other names: c.1538T>C, p.Met513Thr (NM_001363864.1, NM_001365609.1, NM_001405711.1 and 2 more transcripts); c.1640T>C, p.Met547Thr (NM_001405708.1, NM_001405709.1, NM_001405710.1 and 1 more transcripts); c.1484T>C, p.Met495Thr (NM_001405713.1, NM_001405714.1, NM_001405715.1 and 3 more transcripts); c.1382T>C, p.Met461Thr (NM_001405717.1, NM_001405718.1, NM_001405724.1); c.1307T>C, p.Met436Thr (NM_001405720.1, NM_001405721.1); c.1184T>C, p.Met395Thr (NM_001405725.1, NM_001405726.1, NM_001405727.1 and 1 more transcripts); c.947T>C, p.Met316Thr (NM_001405729.1); c.1103T>C, p.Met368Thr (NM_001405730.1); and 5 more; short protein forms M216T, M316T, M368T, M395T, M436T, M461T, M495T, M513T.
Identifiers: ClinVar variation 3368931 (VCV003368931.1).